The following is an entry in ClinVar:

NM_017636.4(TRPM4):c.183G>C (p.Trp61Cys)

Gene: TRPM4 (transient receptor potential cation channel subfamily M member 4; plus strand). Cytogenetic location: 19q13.33.
Variant type: single nucleotide variant.
Coding change: c.183G>C on transcript NM_017636.4 (MANE Select); coding-DNA position 183, G replaced by C.
Protein change: p.Trp61Cys; replaces tryptophan 61 with cysteine.
Molecular consequence: missense variant. On other transcripts: 5 prime UTR variant (1), intron variant (2).
Genome position (GRCh38, 1-based): chr19:49,166,131, G>C. VCF-style: chr19-49166131-G-C. GRCh37 (hg19) VCF-style: chr19-49669388-G-C.
Other names: c.183G>C, p.Trp61Cys (NM_001195227.2, NM_001321281.2); c.-1190G>C (NM_001321282.2); c.-74-2129G>C (NM_001321283.2); c.-237-2422G>C (NM_001321285.2); c.183G>C (NM_017636.3); short protein forms W61C.
Identifiers: ClinVar variation 3729171 (VCV003729171.3).

ClinVar aggregate classification (germline): Uncertain significance. Review status: criteria provided, multiple submitters, no conflicts (2 of 4 stars). 2 submissions from 2 submitters: Uncertain significance (2). Last evaluated 2025-05-06.

Conditions:
Cardiovascular phenotype. Identifiers: MedGen CN230736.
Progressive familial heart block type IB (PFHB1B). Identifiers: Orphanet 871, MedGen C1970298, MONDO:0011474, OMIM 604559.

gnomAD v4.1: 1 of 1,607,132 alleles (0.000062%); highest among the groups gnomAD compares: Non-Finnish European, 0.000085%; no homozygotes.

Submissions (2):

Ambry Genetics
Classification: Uncertain significance for Cardiovascular phenotype. Last evaluated: 2025-05-06. Review status: criteria provided, single submitter. Criteria: Ambry Variant Classification Scheme 2023. Collection method: clinical testing. Allele origin: germline.
Comment: The p.W61C variant (also known as c.183G>C), located in coding exon 3 of the TRPM4 gene, results from a G to C substitution at nucleotide position 183. The tryptophan at codon 61 is replaced by cysteine, an amino acid with highly dissimilar properties. This amino acid position is conserved. In addition, this alteration is predicted to be deleterious by in silico analysis. Based on the available evidence, the clinical significance of this variant remains unclear.

Labcorp Genetics (formerly Invitae), Labcorp
Classification: Uncertain significance for Progressive familial heart block type IB. Last evaluated: 2025-01-20. Review status: criteria provided, single submitter. Criteria: Invitae Variant Classification Sherloc (09022015). Collection method: clinical testing. Allele origin: germline.
Comment: This sequence change replaces tryptophan, which is neutral and slightly polar, with cysteine, which is neutral and slightly polar, at codon 61 of the TRPM4 protein (p.Trp61Cys). This variant is not present in population databases (gnomAD no frequency). This variant has not been reported in the literature in individuals affected with TRPM4-related conditions. An algorithm developed to predict the effect of missense changes on protein structure and function (PolyPhen-2) suggests that this variant is likely to be disruptive. In summary, the available evidence is currently insufficient to determine the role of this variant in disease. Therefore, it has been classified as a Variant of Uncertain Significance.